The following is an entry in ClinVar:

NM_000065.5(C6):c.820C>A (p.Gln274Lys)

Gene: C6 (complement C6; minus strand). Cytogenetic location: 5p13.1.
Variant type: single nucleotide variant.
Coding change: c.820C>A on transcript NM_000065.5 (MANE Select); coding-DNA position 820, C replaced by A.
Protein change: p.Gln274Lys; replaces glutamine 274 with lysine.
Molecular consequence: missense variant.
Genome position (GRCh38, 1-based): chr5:41,181,466, G>T on the plus strand (C>A on the coding strand, the complement: C6 is on the minus strand). VCF-style: chr5-41181466-G-T. GRCh37 (hg19) VCF-style: chr5-41181568-G-T.
Other names: c.820C>A, p.Gln274Lys (NM_001115131.4); short protein forms Q274K.
Identifiers: ClinVar variation 1353856 (VCV001353856.8), dbSNP rs2150323189, ClinGen allele CA359601924.

ClinVar aggregate classification (germline): Uncertain significance (1 of 4 stars; one submission).

Submission:

Labcorp Genetics (formerly Invitae), Labcorp
Classification: Uncertain significance. Last evaluated: 2024-07-29. Review status: criteria provided, single submitter. Criteria: Invitae Variant Classification Sherloc (09022015). Collection method: clinical testing. Allele origin: germline.
Comment: This sequence change replaces glutamine, which is neutral and polar, with lysine, which is basic and polar, at codon 274 of the C6 protein (p.Gln274Lys). This variant is not present in population databases (gnomAD no frequency). This variant has not been reported in the literature in individuals affected with C6-related conditions. ClinVar contains an entry for this variant (Variation ID: 1353856). An algorithm developed to predict the effect of missense changes on protein structure and function outputs the following: PolyPhen-2: "Benign". The lysine amino acid residue is found in multiple mammalian species, which suggests that this missense change does not adversely affect protein function. Algorithms developed to predict the effect of sequence changes on RNA splicing suggest that this variant may create or strengthen a splice site. In summary, the available evidence is currently insufficient to determine the role of this variant in disease. Therefore, it has been classified as a Variant of Uncertain Significance.